The following is an entry in ClinVar:

NM_004048.4(B2M):c.67+28_67+47del

Gene: B2M (beta-2-microglobulin; plus strand). Cytogenetic location: 15q21.1.
Variant type: Deletion.
Coding change: c.67+28_67+47del on transcript NM_004048.4 (MANE Select); bases 28 to 47 of the intron after coding-DNA position 67, 20 bases deleted (GTCCTTCCTCTCCCGCTCTG).
Molecular consequence: intron variant.
Genome position (GRCh38, 1-based): chr15:44,711,641-44,711,660, GTCCTTCCTCTCCCGCTCTG deleted; deleting any 20 consecutive bases within chr15:44,711,630-44,711,660 gives the same sequence; the c. name uses the placement nearest the transcript's 3' end. VCF-style (leftmost placement, unchanged base first): chr15-44711629-CCTCCCGCTCTGGTCCTTCCT-C. GRCh37 (hg19) VCF-style: chr15-45003827-CCTCCCGCTCTGGTCCTTCCT-C.
Identifiers: ClinVar variation 4693264 (VCV004693264.1).

ClinVar aggregate classification (germline): Uncertain significance (1 of 4 stars; one submission).

Conditions:
Hypoproteinemia, hypercatabolic (IMD43). Also called: IMMUNODEFICIENCY 43; BETA-2-MICROGLOBULIN DEFICIENCY; B2M DEFICIENCY; MHC CLASS I DEFICIENCY 4. Identifiers: MedGen C1855796, MONDO:0009434, OMIM 241600.

Submission:

Labcorp Genetics (formerly Invitae), Labcorp
Classification: Uncertain significance for Hypoproteinemia, hypercatabolic. Last evaluated: 2025-05-02. Review status: criteria provided, single submitter. Criteria: Invitae Variant Classification Sherloc (09022015). Collection method: clinical testing. Allele origin: germline.
Comment: This sequence change falls in intron 1 of the B2M gene. It does not directly change the encoded amino acid sequence of the B2M protein. This variant is present in population databases (rs770430301, gnomAD 0.006%). This variant has not been reported in the literature in individuals affected with B2M-related conditions. Experimental studies and prediction algorithms are not available or were not evaluated, and the effect of this variant on mRNA splicing is currently unknown. In summary, the available evidence is currently insufficient to determine the role of this variant in disease. Therefore, it has been classified as a Variant of Uncertain Significance.